The following is an entry in ClinVar:

ClinVar aggregate classification (germline): Pathogenic (1 of 4 stars; one submission).

Conditions:
Glycine encephalopathy. Also called: Nonketotic hyperglycinemia; Non-ketotic hyperglycinemia. Identifiers: Orphanet 407, MedGen C0751748, MONDO:0011612, HP:0008288.

Submission:

Labcorp Genetics (formerly Invitae), Labcorp
Classification: Pathogenic for Glycine encephalopathy. Last evaluated: 2023-09-03. Review status: criteria provided, single submitter. Criteria: Invitae Variant Classification Sherloc (09022015). Collection method: clinical testing. Allele origin: germline.
Comment: This sequence change creates a premature translational stop signal (p.Tyr273Valfs*4) in the AMT gene. It is expected to result in an absent or disrupted protein product. Loss-of-function variants in AMT are known to be pathogenic (PMID: 16450403). For these reasons, this variant has been classified as Pathogenic. This variant has not been reported in the literature in individuals affected with AMT-related conditions. This variant is not present in population databases (gnomAD no frequency).

Literature cited by the submitters: PubMed 16450403.

NM_000481.4(AMT):c.815dup (p.Tyr273fs)

Gene: AMT (aminomethyltransferase; minus strand). Cytogenetic location: 3p21.31.
Variant type: Duplication.
Coding change: c.815dup on transcript NM_000481.4 (MANE Select); coding-DNA position 815, one base duplicated (T; older notation c.815dupT).
Protein change: p.Tyr273fs; shifts the reading frame from tyrosine 273.
Molecular consequence: frameshift variant. On other transcripts: non-coding transcript variant (1).
Genome position (GRCh38, 1-based): chr3:49,419,033, A duplicated on the plus strand (T on the coding strand, the reverse complement: AMT is on the minus strand). VCF-style (leftmost placement, unchanged base first): chr3-49419032-C-CA. GRCh37 (hg19) VCF-style: chr3-49456465-C-CA.
Other names: c.683dup, p.Tyr229fs (NM_001164710.2); c.647dup, p.Tyr217fs (NM_001164711.2); c.815dup, p.Tyr273fs (NM_001164712.2); short protein forms Y229fs, Y217fs, Y273fs.
Identifiers: ClinVar variation 2749793 (VCV002749793.3), dbSNP rs2471150164, ClinGen allele CA2697550963.